The following is an entry in ClinVar:

ClinVar aggregate classification (germline): Uncertain significance (1 of 4 stars; one submission).

Allele frequency attached by ClinVar (database versions not stated): gnomAD 0.00001; gnomAD exomes 0.00001; ExAC 0.00002.
gnomAD v4.1: 12 of 1,613,686 alleles (0.00074%); highest among the groups gnomAD compares: South Asian, 0.013%; no homozygotes.

Submission:

Labcorp Genetics (formerly Invitae), Labcorp
Classification: Uncertain significance. Last evaluated: 2023-02-26. Review status: criteria provided, single submitter. Criteria: Invitae Variant Classification Sherloc (09022015). Collection method: clinical testing. Allele origin: germline.
Comment: In summary, the available evidence is currently insufficient to determine the role of this variant in disease. Therefore, it has been classified as a Variant of Uncertain Significance. An algorithm developed to predict the effect of missense changes on protein structure and function (PolyPhen-2) suggests that this variant is likely to be disruptive. This variant has not been reported in the literature in individuals affected with OR2W3-related conditions. This variant is present in population databases (rs754999456, gnomAD 0.01%). This sequence change replaces glutamine, which is neutral and polar, with glutamic acid, which is acidic and polar, at codon 270 of the OR2W3 protein (p.Gln270Glu).

NM_001001957.2(OR2W3):c.808C>G (p.Gln270Glu)

Gene: OR2W3 (olfactory receptor family 2 subfamily W member 3; plus strand). Cytogenetic location: 1q44.
Variant type: single nucleotide variant.
Coding change: c.808C>G on transcript NM_001001957.2 (MANE Select); coding-DNA position 808, C replaced by G.
Protein change: p.Gln270Glu; replaces glutamine 270 with glutamic acid.
Molecular consequence: missense variant.
Genome position (GRCh38, 1-based): chr1:247,896,394, C>G. VCF-style: chr1-247896394-C-G. GRCh37 (hg19) VCF-style: chr1-248059696-C-G.
Other names: short protein forms Q270E.
Identifiers: ClinVar variation 2841156 (VCV002841156.3), dbSNP rs754999456, ClinGen allele CA1498686.